The following is an entry in ClinVar:

NM_006904.7(PRKDC):c.7996C>T (p.Pro2666Ser)

Gene: PRKDC (protein kinase, DNA-activated, catalytic subunit; minus strand). Cytogenetic location: 8q11.21.
Variant type: single nucleotide variant.
Coding change: c.7996C>T on transcript NM_006904.7 (MANE Select); coding-DNA position 7996, C replaced by T.
Protein change: p.Pro2666Ser; replaces proline 2666 with serine.
Molecular consequence: missense variant.
Genome position (GRCh38, 1-based): chr8:47,834,352, G>A on the plus strand (C>T on the coding strand, the complement: PRKDC is on the minus strand). VCF-style: chr8-47834352-G-A. GRCh37 (hg19) VCF-style: chr8-48746913-G-A.
Other names: c.7996C>T, p.Pro2666Ser (NM_001081640.2); short protein forms P2666S.
Identifiers: ClinVar variation 1477309 (VCV001477309.8), dbSNP rs1211029973, ClinGen allele CA371149837.

ClinVar aggregate classification (germline): Uncertain significance. Review status: criteria provided, multiple submitters, no conflicts (2 of 4 stars). 2 submissions from 2 submitters: Uncertain significance (2). Last evaluated 2023-08-04.

Conditions:
Severe combined immunodeficiency due to DNA-PKcs deficiency. Also called: IMMUNODEFICIENCY 26 WITH NEUROLOGIC ABNORMALITIES; Immunodeficiency 26 with or without neurologic abnormalities. Identifiers: Orphanet 317425, MedGen C4014833, MONDO:0014423, OMIM 615966.

Allele frequency attached by ClinVar (database versions not stated): gnomAD exomes below 0.00001 and 0.00001; gnomAD 0.00001; TOPMed 0.00001.
gnomAD v4.1: 3 of 1,613,804 alleles (0.00019%); highest among the groups gnomAD compares: African/African-American, 0.004%; no homozygotes.

Submissions (2):

Labcorp Genetics (formerly Invitae), Labcorp
Classification: Uncertain significance for Severe combined immunodeficiency due to DNA-PKcs deficiency. Last evaluated: 2023-08-04. Review status: criteria provided, single submitter. Criteria: Invitae Variant Classification Sherloc (09022015). Collection method: clinical testing. Allele origin: germline.
Comment: This variant has not been reported in the literature in individuals affected with PRKDC-related conditions. In summary, the available evidence is currently insufficient to determine the role of this variant in disease. Therefore, it has been classified as a Variant of Uncertain Significance. Advanced modeling of protein sequence and biophysical properties (such as structural, functional, and spatial information, amino acid conservation, physicochemical variation, residue mobility, and thermodynamic stability) performed at Invitae indicates that this missense variant is not expected to disrupt PRKDC protein function. ClinVar contains an entry for this variant (Variation ID: 1477309). This variant is present in population databases (no rsID available, gnomAD 0.01%). This sequence change replaces proline with serine at codon 2666 of the PRKDC protein (p.Pro2666Ser). The proline residue is weakly conserved and there is a moderate physicochemical difference between proline and serine.

Ambry Genetics
Classification: Uncertain significance. Last evaluated: 2023-05-05. Review status: criteria provided, single submitter. Criteria: Ambry Variant Classification Scheme 2023. Collection method: clinical testing. Allele origin: germline.